The following is an entry in ClinVar:

ClinVar aggregate classification (germline): Pathogenic (1 of 4 stars; one submission).

Conditions:
Parathyroid carcinoma (PRTC). Also called: Parathyroid gland carcinoma; CDC73-Related Parathyroid Carcinoma. Identifiers: Orphanet 143, MedGen C0687150, MONDO:0012004, OMIM 608266, HP:0006780.

Submission:

Labcorp Genetics (formerly Invitae), Labcorp
Classification: Pathogenic for Parathyroid carcinoma. Last evaluated: 2022-10-27. Review status: criteria provided, single submitter. Criteria: Invitae Variant Classification Sherloc (09022015). Collection method: clinical testing. Allele origin: unknown.
Comment: For these reasons, this variant has been classified as Pathogenic. This variant has not been reported in the literature in individuals affected with CDC73-related conditions. This variant is a gross deletion of the genomic region encompassing exon(s) 2 of the CDC73 gene. This deletion is out-of-frame, and is expected to create a premature termination codon and result in an absent or disrupted protein product. Loss-of-function variants in CDC73 are known to be pathogenic (PMID: 12434154).

Literature cited by the submitters: PubMed 12434154.

NC_000001.10:g.(?_193094232)_(193094357_?)del

Gene: CDC73 (cell division cycle 73; plus strand). Cytogenetic location: 1q31.2.
Variant type: Deletion.
Identifiers: ClinVar variation 3247698 (VCV003247698.1).